The following is an entry in ClinVar:

ClinVar aggregate classification (germline): Uncertain significance (1 of 4 stars; one submission).

Conditions:
Primary dilated cardiomyopathy (DCM). Also called: Dilated Cardiomyopathy. Identifiers: Orphanet 217604, MedGen C0007193, MeSH D002311, MONDO:0005021, HP:0001644. Inheritance: Various modes of inheritance.
Hypertrophic cardiomyopathy. Also called: HYPERTROPHIC MYOCARDIOPATHY. Identifiers: Orphanet 217569, MedGen C0007194, MeSH D002312, MONDO:0005045, HP:0001639.

Submission:

Labcorp Genetics (formerly Invitae), Labcorp
Classification: Uncertain significance for Hypertrophic cardiomyopathy; Primary dilated cardiomyopathy. Last evaluated: 2025-09-15. Review status: criteria provided, single submitter. Criteria: Invitae Variant Classification Sherloc (09022015). Collection method: clinical testing. Allele origin: germline.
Comment: This variant results in the deletion of part of exon 1 (c.60_93+59del) of the PDLIM3 gene. It is expected to disrupt RNA splicing. Variants that disrupt the donor or acceptor splice site typically lead to a loss of protein function (PMID: 16199547), however the current clinical and genetic evidence is not sufficient to establish whether loss-of-function variants in PDLIM3 cause disease. This variant is not present in population databases (gnomAD no frequency). This variant has not been reported in the literature in individuals affected with PDLIM3-related conditions. In summary, the available evidence is currently insufficient to determine the role of this variant in disease. Therefore, it has been classified as a Variant of Uncertain Significance.

Literature cited by the submitters: PubMed 16199547.

NM_014476.6(PDLIM3):c.60_93+59del

Gene: PDLIM3 (PDZ and LIM domain 3; minus strand). Cytogenetic location: 4q35.1.
Variant type: Deletion.
Coding change: c.60_93+59del on transcript NM_014476.6 (MANE Select); coding-DNA position 60 through 59 bases into the intron after coding-DNA position 93, 93 bases deleted.
Molecular consequence: splice donor variant.
Genome position (GRCh38, 1-based): chr4:185,535,283-185,535,375, 93 bases deleted. GRCh37 (hg19): chr4:186,456,442-186,456,534.
Other names: c.60_93+59del (NM_001257963.2, NM_001257962.2, NM_001114107.5).
Identifiers: ClinVar variation 4784059 (VCV004784059.1).